The following is an entry in ClinVar:

ClinVar aggregate classification (germline): Uncertain significance. Review status: criteria provided, multiple submitters, no conflicts (2 of 4 stars). 2 submissions from 2 submitters: Uncertain significance (2). Last evaluated 2022-07-12.

Conditions:
Jeune thoracic dystrophy. Also called: Jeune syndrome; Infantile thoracic dystrophy; Thoracic pelvic phalangeal dystrophy; Jeune's syndrome; Chondroectodermal dysplasia-like syndrome; Short-rib thoracic dysplasia. Identifiers: Orphanet 474, MedGen C0265275, MONDO:0018770.

Allele frequency attached by ClinVar (database versions not stated): gnomAD 0.00001 and 0.00002; gnomAD exomes 0.00002; ExAC 0.00003; TOPMed 0.00003; 1000 Genomes Project 30x 0.00016; 1000 Genomes Project 0.00020.
gnomAD v4.1: 52 of 1,613,566 alleles (0.0032%); highest among the groups gnomAD compares: South Asian, 0.025%; no homozygotes.

Submissions (2):

Labcorp Genetics (formerly Invitae), Labcorp
Classification: Uncertain significance for Jeune thoracic dystrophy. Last evaluated: 2022-07-12. Review status: criteria provided, single submitter. Criteria: Invitae Variant Classification Sherloc (09022015). Collection method: clinical testing. Allele origin: germline.
Comment: This sequence change replaces arginine, which is basic and polar, with cysteine, which is neutral and slightly polar, at codon 1265 of the DYNC2H1 protein (p.Arg1265Cys). This variant is present in population databases (rs576131731, gnomAD 0.007%). This variant has not been reported in the literature in individuals affected with DYNC2H1-related conditions. ClinVar contains an entry for this variant (Variation ID: 1522273). Algorithms developed to predict the effect of missense changes on protein structure and function (SIFT, PolyPhen-2, Align-GVGD) all suggest that this variant is likely to be disruptive. In summary, the available evidence is currently insufficient to determine the role of this variant in disease. Therefore, it has been classified as a Variant of Uncertain Significance.

Blueprint Genetics
Classification: Uncertain significance. Last evaluated: 2022-04-12. Review status: criteria provided, single submitter. Criteria: ACMG Guidelines, 2015. Collection method: clinical testing. Allele origin: germline.

NM_001377.3(DYNC2H1):c.3793C>T (p.Arg1265Cys)

Gene: DYNC2H1 (dynein cytoplasmic 2 heavy chain 1; plus strand). Cytogenetic location: 11q22.3.
Variant type: single nucleotide variant.
Coding change: c.3793C>T on transcript NM_001377.3 (MANE Select); coding-DNA position 3793, C replaced by T.
Protein change: p.Arg1265Cys; replaces arginine 1265 with cysteine.
Molecular consequence: missense variant.
Genome position (GRCh38, 1-based): chr11:103,156,436, C>T. VCF-style: chr11-103156436-C-T. GRCh37 (hg19) VCF-style: chr11-103027165-C-T.
Other names: c.3793C>T, p.Arg1265Cys (NM_001080463.2); short protein forms R1265C.
Identifiers: ClinVar variation 1522273 (VCV001522273.4), dbSNP rs576131731, ClinGen allele CA6253415.